The following is an entry in ClinVar:

ClinVar aggregate classification (germline): Uncertain significance. Review status: criteria provided, multiple submitters, no conflicts (2 of 4 stars). 4 submissions from 4 submitters: Uncertain significance (4). Last evaluated 2026-01-24.

Conditions:
Endometrial carcinoma. Also called: Endometrial carcinoma, somatic. Identifiers: MedGen C0476089, MONDO:0002447, OMIM 608089, HP:0012114.
Familial adenomatous polyposis 4 (FAP4). Also called: MSH3-related attenuated familial adenomatous polyposis. Identifiers: Orphanet 480536, MedGen C4310719, MONDO:0044300, OMIM 617100.
Hereditary cancer-predisposing syndrome. Also called: Neoplastic Syndromes, Hereditary; Hereditary Cancer Syndrome; Tumor predisposition; Hereditary neoplastic syndrome. Identifiers: Orphanet 140162, MedGen C0027672, MeSH D009386, MONDO:0015356.

Allele frequency attached by ClinVar (database versions not stated): gnomAD 0.00001; gnomAD exomes 0.00001 and 0.00003; TOPMed 0.00001; ExAC 0.00002.
gnomAD v4.1: 7 of 1,613,682 alleles (0.00043%); highest among the groups gnomAD compares: East Asian, 0.016%; no homozygotes.

Submissions (4):

Labcorp Genetics (formerly Invitae), Labcorp
Classification: Uncertain significance. Last evaluated: 2026-01-24. Review status: criteria provided, single submitter. Criteria: Invitae Variant Classification Sherloc (09022015). Collection method: clinical testing. Allele origin: germline.
Comment: This sequence change replaces leucine, which is neutral and non-polar, with phenylalanine, which is neutral and non-polar, at codon 971 of the MSH3 protein (p.Leu971Phe). The frequency data for this variant in the population databases is considered unreliable, as metrics indicate poor data quality at this position in the gnomAD database. This variant has not been reported in the literature in individuals affected with MSH3-related conditions. ClinVar contains an entry for this variant (Variation ID: 851946). An algorithm developed to predict the effect of missense changes on protein structure and function (PolyPhen-2) suggests that this variant is likely to be disruptive. In summary, the available evidence is currently insufficient to determine the role of this variant in disease. Therefore, it has been classified as a Variant of Uncertain Significance.

Ambry Genetics
Classification: Uncertain significance for Hereditary cancer-predisposing syndrome. Last evaluated: 2025-05-07. Review status: criteria provided, single submitter. Criteria: Ambry Variant Classification Scheme 2023. Collection method: clinical testing. Allele origin: germline.
Comment: The p.L971F variant (also known as c.2913G>C), located in coding exon 21 of the MSH3 gene, results from a G to C substitution at nucleotide position 2913. The leucine at codon 971 is replaced by phenylalanine, an amino acid with highly similar properties. This amino acid position is highly conserved in available vertebrate species. In addition, this alteration is predicted to be deleterious by in silico analysis. Since supporting evidence is limited at this time, the clinical significance of this alteration remains unclear.

Fulgent Genetics
Classification: Uncertain significance for Endometrial carcinoma; Familial adenomatous polyposis 4. Last evaluated: 2024-04-11. Review status: criteria provided, single submitter. Criteria: ACMG Guidelines, 2015. Collection method: clinical testing. Allele origin: germline.

Department of Pathology and Laboratory Medicine, Sinai Health System
Classification: Uncertain significance for Familial adenomatous polyposis 4. Last evaluated: 2023-03-27. Review status: criteria provided, single submitter. Criteria: ACMG Guidelines, 2015. Collection method: clinical testing. Allele origin: germline. Affected: yes.

NM_002439.5(MSH3):c.2913G>C (p.Leu971Phe)

Gene: MSH3 (mutS homolog 3; plus strand). Cytogenetic location: 5q14.1.
Variant type: single nucleotide variant.
Coding change: c.2913G>C on transcript NM_002439.5 (MANE Select); coding-DNA position 2913, G replaced by C.
Protein change: p.Leu971Phe; replaces leucine 971 with phenylalanine.
Molecular consequence: missense variant.
Genome position (GRCh38, 1-based): chr5:80,854,229, G>C. VCF-style: chr5-80854229-G-C. GRCh37 (hg19) VCF-style: chr5-80150048-G-C.
Other names: short protein forms L971F.
Identifiers: ClinVar variation 851946 (VCV000851946.13), dbSNP rs775386491, ClinGen allele CA3328396.